The following is an entry in ClinVar:

NM_024757.5(EHMT1):c.110G>A (p.Gly37Asp)

Gene: EHMT1 (euchromatic histone lysine methyltransferase 1; plus strand). Cytogenetic location: 9q34.3.
Variant type: single nucleotide variant.
Coding change: c.110G>A on transcript NM_024757.5 (MANE Select); coding-DNA position 110, G replaced by A.
Protein change: p.Gly37Asp; replaces glycine 37 with aspartic acid.
Molecular consequence: missense variant.
Genome position (GRCh38, 1-based): chr9:137,716,650, G>A. VCF-style: chr9-137716650-G-A. GRCh37 (hg19) VCF-style: chr9-140611102-G-A.
Other names: c.110G>A, p.Gly37Asp (NM_001145527.2, NM_001354263.2, NM_001354611.2); c.17G>A, p.Gly6Asp (NM_001354259.2, NM_001354612.2); short protein forms G37D, G6D.
Identifiers: ClinVar variation 1031402 (VCV001031402.11), dbSNP rs1300327079, ClinGen allele CA375762220.

ClinVar aggregate classification (germline): Conflicting classifications of pathogenicity. Review status: criteria provided, conflicting classifications (1 of 4 stars). 2 submissions from 2 submitters: Uncertain significance (1); Benign (1). Last evaluated 2025-11-15.

Conditions:
Kleefstra syndrome 1 (KLEFS1). Identifiers: Orphanet 261494, MedGen C0795833, MONDO:0027407, OMIM 610253.

Allele frequency attached by ClinVar (database versions not stated): gnomAD 0.00001; TOPMed 0.00001; gnomAD exomes 0.00002 and below 0.00001.
gnomAD v4.1: 26 of 1,585,654 alleles (0.0016%); highest among the groups gnomAD compares: Non-Finnish European, 0.0021%; no homozygotes.

Submissions (2):

Labcorp Genetics (formerly Invitae), Labcorp
Classification: Benign for Kleefstra syndrome 1. Last evaluated: 2025-11-15. Review status: criteria provided, single submitter. Criteria: Invitae Variant Classification Sherloc (09022015). Collection method: clinical testing. Allele origin: germline.

Baylor Genetics
Classification: Uncertain significance for Kleefstra syndrome 1. Last evaluated: 2018-11-08. Review status: criteria provided, single submitter. Criteria: ACMG Guidelines, 2015. Collection method: clinical testing. Allele origin: unknown. Affected: yes.
Comment: This variant was determined to be of uncertain significance according to ACMG Guidelines, 2015 [PMID:25741868].